The following is an entry in ClinVar:

ClinVar aggregate classification (germline): Uncertain significance (1 of 4 stars; one submission).

gnomAD v4.1: 2 of 1,613,218 alleles (0.00012%); highest among the groups gnomAD compares: Middle Eastern, 0.016%; no homozygotes.

Submission:

Women's Health and Genetics/Laboratory Corporation of America, LabCorp
Classification: Uncertain significance. Last evaluated: 2026-06-05. Review status: criteria provided, single submitter. Criteria: LabCorp Variant Classification Summary - May 2015. Collection method: clinical testing. Allele origin: germline.
Comment: Variant summary: CFH c.1159+4A>C alters a conserved nucleotide located close to a canonical splice site and therefore could affect mRNA splicing, leading to a significantly altered protein sequence. Several computational tools predict a significant impact on normal splicing: One predicts the variant abolishes a canonical 5' splicing donor site and three predict the variant weakens a canonical 5' donor site. However, these predictions have yet to be confirmed by functional studies. The variant was absent in 249224 control chromosomes. The available data on variant occurrences in the general population are insufficient to allow any conclusion about variant significance. To our knowledge, no occurrence of c.1159+4A>C in individuals affected with CFH-related conditions and no experimental evidence demonstrating its impact on protein function have been reported. No submitters have cited clinical-significance assessments for this variant to ClinVar. Based on the evidence outlined above, the variant was classified as uncertain significance.

NM_000186.4(CFH):c.1159+4A>C

Gene: CFH (complement factor H; plus strand). Cytogenetic location: 1q31.3.
Variant type: single nucleotide variant.
Coding change: c.1159+4A>C on transcript NM_000186.4 (MANE Select); 4 bases into the intron after coding-DNA position 1159, A replaced by C.
Molecular consequence: intron variant.
Genome position (GRCh38, 1-based): chr1:196,689,618, A>C. VCF-style: chr1-196689618-A-C. GRCh37 (hg19) VCF-style: chr1-196658748-A-C.
Other names: c.1159+4A>C (NM_001014975.3).
Identifiers: ClinVar variation 4887478 (VCV004887478.1).